The following is an entry in ClinVar:

NM_004793.4(LONP1):c.1897-8G>A

Gene: LONP1 (lon peptidase 1, mitochondrial; minus strand). Cytogenetic location: 19p13.3.
Variant type: single nucleotide variant.
Coding change: c.1897-8G>A on transcript NM_004793.4 (MANE Select); 8 bases into the intron before coding-DNA position 1897, G replaced by A.
Molecular consequence: intron variant.
Genome position (GRCh38, 1-based): chr19:5,696,178, C>T on the plus strand (G>A on the coding strand, the complement: LONP1 is on the minus strand). VCF-style: chr19-5696178-C-T. GRCh37 (hg19) VCF-style: chr19-5696189-C-T.
Other names: c.1309-8G>A (NM_001276480.1); c.1705-8G>A (NM_001276479.2).
Identifiers: ClinVar variation 386588 (VCV000386588.9), dbSNP rs201236238, ClinGen allele CA9114406.

ClinVar aggregate classification (germline): Likely benign. Review status: criteria provided, multiple submitters, no conflicts (2 of 4 stars). 2 submissions from 2 submitters: Likely benign (2). Last evaluated 2026-01-19.

Allele frequency attached by ClinVar (database versions not stated): gnomAD 0.00002; gnomAD exomes 0.00004 and 0.00005; TOPMed 0.00004; ExAC 0.00005; ESP Exome Variant Server 0.00008.
gnomAD v4.1: 59 of 1,612,692 alleles (0.0037%); highest among the groups gnomAD compares: Middle Eastern, 0.066%; no homozygotes.

Submissions (2):

Labcorp Genetics (formerly Invitae), Labcorp
Classification: Likely benign. Last evaluated: 2026-01-19. Review status: criteria provided, single submitter. Criteria: Invitae Variant Classification Sherloc (09022015). Collection method: clinical testing. Allele origin: germline.

GeneDx
Classification: Likely benign. Last evaluated: 2016-05-20. Review status: criteria provided, single submitter. Criteria: GeneDx Variant Classification (06012015). Collection method: clinical testing. Allele origin: germline. Affected: yes.
Comment: This variant is considered likely benign or benign based on one or more of the following criteria: it is a conservative change, it occurs at a poorly conserved position in the protein, it is predicted to be benign by multiple in silico algorithms, and/or has population frequency not consistent with disease.